The following is an entry in ClinVar:

ClinVar aggregate classification (germline): Uncertain significance (1 of 4 stars; one submission).

Conditions:
Oxoglutaricaciduria. Identifiers: Orphanet 31, MedGen C2752074, MONDO:0008759, OMIM 203740.

Submission:

Labcorp Genetics (formerly Invitae), Labcorp
Classification: Uncertain significance for Oxoglutaricaciduria. Last evaluated: 2022-05-27. Review status: criteria provided, single submitter. Criteria: Invitae Variant Classification Sherloc (09022015). Collection method: clinical testing. Allele origin: germline.
Comment: This variant is not present in population databases (gnomAD no frequency). This sequence change falls in intron 15 of the OGDH gene. It does not directly change the encoded amino acid sequence of the OGDH protein. It affects a nucleotide within the consensus splice site. This variant has not been reported in the literature in individuals affected with OGDH-related conditions. Variants that disrupt the consensus splice site are a relatively common cause of aberrant splicing (PMID: 17576681, 9536098). Algorithms developed to predict the effect of sequence changes on RNA splicing suggest that this variant is not likely to affect RNA splicing. In summary, the available evidence is currently insufficient to determine the role of this variant in disease. Therefore, it has been classified as a Variant of Uncertain Significance.

Literature cited by the submitters: PubMed 17576681; PubMed 9536098.

NM_002541.4(OGDH):c.2052-3C>T

Gene: OGDH (oxoglutarate dehydrogenase; plus strand). Cytogenetic location: 7p13.
Variant type: single nucleotide variant.
Coding change: c.2052-3C>T on transcript NM_002541.4 (MANE Select); 3 bases into the intron before coding-DNA position 2052, C replaced by T.
Molecular consequence: intron variant.
Genome position (GRCh38, 1-based): chr7:44,697,367, C>T. VCF-style: chr7-44697367-C-T. GRCh37 (hg19) VCF-style: chr7-44736966-C-T.
Other names: c.2085-3C>T (NM_001363523.2); c.2040-3C>T (NM_001165036.2).
Identifiers: ClinVar variation 1956205 (VCV001956205.5), dbSNP rs2484959231, ClinGen allele CA2580077220.